The following is an entry in ClinVar:

NM_000091.5(COL4A3):c.1977A>G (p.Gly659=)

Genes: COL4A3 (collagen type IV alpha 3 chain; plus strand), MFF-DT (MFF divergent transcript; minus strand). Cytogenetic location: 2q36.3.
Variant type: single nucleotide variant.
Coding change: c.1977A>G on transcript NM_000091.5 (MANE Select); coding-DNA position 1977, A replaced by G.
Protein change: p.Gly659=; no amino-acid change (glycine 659 retained).
Molecular consequence: synonymous variant.
Genome position (GRCh38, 1-based): chr2:227,276,434, A>G. VCF-style: chr2-227276434-A-G. GRCh37 (hg19) VCF-style: chr2-228141150-A-G.
Identifiers: ClinVar variation 2502577 (VCV002502577.1), dbSNP rs1438033217, ClinGen allele CA431501048.

ClinVar aggregate classification (germline): Uncertain significance (1 of 4 stars; one submission).

Submission:

GeneDx
Classification: Uncertain significance. Last evaluated: 2022-11-21. Review status: criteria provided, single submitter. Criteria: GeneDx Variant Classification Process June 2021. Collection method: clinical testing. Allele origin: germline. Affected: yes.
Comment: Not observed at significant frequency in large population cohorts (gnomAD); In silico analysis is inconclusive as to whether the variant alters gene splicing. In the absence of RNA/functional studies, the actual effect of this sequence change is unknown.; Has not been previously published as pathogenic or benign to our knowledge